The following is an entry in ClinVar:

NM_001330311.2(DVL1):c.264C>T (p.His88=)

Gene: DVL1 (dishevelled segment polarity protein 1; minus strand). Cytogenetic location: 1p36.33.
Variant type: single nucleotide variant.
Coding change: c.264C>T on transcript NM_001330311.2 (MANE Select); coding-DNA position 264, C replaced by T.
Protein change: p.His88=; no amino-acid change (histidine 88 retained).
Molecular consequence: synonymous variant.
Genome position (GRCh38, 1-based): chr1:1,342,461, G>A on the plus strand (C>T on the coding strand, the complement: DVL1 is on the minus strand). VCF-style: chr1-1342461-G-A. GRCh37 (hg19) VCF-style: chr1-1277841-G-A.
Other names: c.264C>T, p.His88= (NM_004421.3); c.264C>T (NM_004421.2).
Identifiers: ClinVar variation 1616126 (VCV001616126.10), dbSNP rs200912697, ClinGen allele CA520770.

ClinVar aggregate classification (germline): Likely benign. Review status: criteria provided, multiple submitters, no conflicts (2 of 4 stars). 3 submissions from 3 submitters: Likely benign (3). Last evaluated 2025-07-03.

Conditions:
DVL1-related disorder. Also called: DVL1-related condition.

Allele frequency attached by ClinVar (database versions not stated): gnomAD 0.00001 and 0.00002; TOPMed 0.00003; gnomAD exomes 0.00005 and 0.00006; ExAC 0.00009; 1000 Genomes Project 30x 0.00016; 1000 Genomes Project 0.00020.
gnomAD v4.1: 94 of 1,609,902 alleles (0.0058%); highest among the groups gnomAD compares: Non-Finnish European, 0.0073%; no homozygotes.

Submissions (3):

PreventionGenetics, part of Exact Sciences
Classification: Likely benign for DVL1-related condition. Last evaluated: 2025-07-03. Review status: criteria provided, single submitter. Criteria: ACMG Guidelines, 2015. Collection method: clinical testing. Allele origin: germline.
Comment: This variant is classified as likely benign based on ACMG/AMP sequence variant interpretation guidelines (Richards et al. 2015 PMID: 25741868, with internal and published modifications).

Labcorp Genetics (formerly Invitae), Labcorp
Classification: Likely benign. Last evaluated: 2023-05-09. Review status: criteria provided, single submitter. Criteria: Invitae Variant Classification Sherloc (09022015). Collection method: clinical testing. Allele origin: germline.

Blueprint Genetics
Classification: Likely benign. Last evaluated: 2022-10-24. Review status: criteria provided, single submitter. Criteria: ACMG Guidelines, 2015. Collection method: clinical testing. Allele origin: germline.